The following is an entry in ClinVar:

ClinVar aggregate classification (germline): Uncertain significance (1 of 4 stars; one submission).

Conditions:
Developmental and epileptic encephalopathy, 36 (DEE36). Also called: Congenital disorder of glycosylation, type Is; ALG13-CDG; Epileptic encephalopathy, early infantile, 36. Identifiers: Orphanet 324422, MedGen C4317295, MONDO:0010472, OMIM 300884.

Submission:

Labcorp Genetics (formerly Invitae), Labcorp
Classification: Uncertain significance for Developmental and epileptic encephalopathy, 36. Last evaluated: 2024-06-04. Review status: criteria provided, single submitter. Criteria: Invitae Variant Classification Sherloc (09022015). Collection method: clinical testing. Allele origin: germline.
Comment: This sequence change replaces alanine, which is neutral and non-polar, with threonine, which is neutral and polar, at codon 140 of the ALG13 protein (p.Ala140Thr). This variant is not present in population databases (gnomAD no frequency). This variant has not been reported in the literature in individuals affected with ALG13-related conditions. Algorithms developed to predict the effect of missense changes on protein structure and function output the following: SIFT: "Not Available"; PolyPhen-2: "Benign"; Align-GVGD: "Not Available". The threonine amino acid residue is found in multiple mammalian species, which suggests that this missense change does not adversely affect protein function. In summary, the available evidence is currently insufficient to determine the role of this variant in disease. Therefore, it has been classified as a Variant of Uncertain Significance.

NM_001099922.3(ALG13):c.418G>A (p.Ala140Thr)

Gene: ALG13 (ALG13 UDP-N-acetylglucosaminyltransferase subunit; plus strand). Cytogenetic location: Xq23.
Variant type: single nucleotide variant.
Coding change: c.418G>A on transcript NM_001099922.3 (MANE Select); coding-DNA position 418, G replaced by A.
Protein change: p.Ala140Thr; replaces alanine 140 with threonine.
Molecular consequence: missense variant. On other transcripts: non-coding transcript variant (1).
Genome position (GRCh38, 1-based): chrX:111,708,061, G>A. VCF-style: chrX-111708061-G-A. GRCh37 (hg19) VCF-style: chrX-110951289-G-A.
Other names: c.106G>A, p.Ala36Thr (NM_001257234.2, NM_001257237.2, NM_001324293.1 and 1 more transcripts); c.418G>A, p.Ala140Thr (NM_001324292.2); c.184G>A, p.Ala62Thr (NM_001257231.2); short protein forms A140T, A36T, A62T.
Identifiers: ClinVar variation 3630666 (VCV003630666.2).
Genomic context (GRCh38, chrX:111,708,061, plus strand): 5'-ATTGGCTCTTCCTCTTCTTTTCACAGGGTCCTGACTTGTCCTGGGCAAGCCAAGTCCATT[G>A]CTTCTGCTCCTGGGAAGTGCCAAGATTCTGCAGCGCTGACTTCAACTGCCTTTTCAGGCC-3'
Protein context (NP_001093392.1, residues 130-150): LTCPGQAKSI[Ala140Thr]SAPGKCQDSA